The following is an entry in ClinVar:

ClinVar aggregate classification (germline): Uncertain significance. Review status: criteria provided, multiple submitters, no conflicts (2 of 4 stars). 2 submissions from 2 submitters: Uncertain significance (2). Last evaluated 2024-12-28.

Conditions:
Inborn genetic diseases. Identifiers: MedGen C0950123, MeSH D030342.

Allele frequency attached by ClinVar (database versions not stated): TOPMed 0.00001; ExAC 0.00004.
gnomAD v4.1: 7 of 1,590,100 alleles (0.00044%); highest among the groups gnomAD compares: Admixed American, 0.0071%; no homozygotes.

Submissions (2):

Ambry Genetics
Classification: Uncertain significance for Inborn genetic diseases. Last evaluated: 2024-12-28. Review status: criteria provided, single submitter. Criteria: Ambry Variant Classification Scheme 2023. Collection method: clinical testing. Allele origin: germline.

Labcorp Genetics (formerly Invitae), Labcorp
Classification: Uncertain significance. Last evaluated: 2024-01-09. Review status: criteria provided, single submitter. Criteria: Invitae Variant Classification Sherloc (09022015). Collection method: clinical testing. Allele origin: germline.
Comment: This sequence change replaces proline, which is neutral and non-polar, with serine, which is neutral and polar, at codon 48 of the ITGA3 protein (p.Pro48Ser). The frequency data for this variant in the population databases is considered unreliable, as metrics indicate poor data quality at this position in the gnomAD database. This variant has not been reported in the literature in individuals affected with ITGA3-related conditions. Advanced modeling of protein sequence and biophysical properties (such as structural, functional, and spatial information, amino acid conservation, physicochemical variation, residue mobility, and thermodynamic stability) performed at Invitae indicates that this missense variant is not expected to disrupt ITGA3 protein function with a negative predictive value of 80%. In summary, the available evidence is currently insufficient to determine the role of this variant in disease. Therefore, it has been classified as a Variant of Uncertain Significance.

NM_002204.4(ITGA3):c.142C>T (p.Pro48Ser)

Gene: ITGA3 (integrin subunit alpha 3; plus strand). Cytogenetic location: 17q21.33.
Variant type: single nucleotide variant.
Coding change: c.142C>T on transcript NM_002204.4 (MANE Select); coding-DNA position 142, C replaced by T.
Protein change: p.Pro48Ser; replaces proline 48 with serine.
Molecular consequence: missense variant.
Genome position (GRCh38, 1-based): chr17:50,056,581, C>T. VCF-style: chr17-50056581-C-T. GRCh37 (hg19) VCF-style: chr17-48133945-C-T.
Other names: NM_005501.2:c.142C>T; short protein forms P48S.
Identifiers: ClinVar variation 2893080 (VCV002893080.3), dbSNP rs768529626, ClinGen allele CA8641147.